The following is an entry in ClinVar:

ClinVar aggregate classification (germline): Pathogenic (1 of 4 stars; one submission).

Conditions:
Osteopathia striata with cranial sclerosis (OSCS). Also called: HYPEROSTOSIS GENERALISATA WITH STRIATIONS. Identifiers: Orphanet 2780, MedGen C0432268, MONDO:0010310, OMIM 300373.

Submission:

Illumina Laboratory Services, Illumina
Classification: Pathogenic for Osteopathia striata with cranial sclerosis. Last evaluated: 2020-04-24. Review status: criteria provided, single submitter. Criteria: ICSLVariantClassificationCriteria RUGD 01 April 2020. Collection method: clinical testing. Allele origin: unknown.
Comment: The AMER1 c.877delG (p.Val293Ter) variant is a stop-gained variant that is predicted to result in premature termination of the protein. A literature search was performed for the gene, cDNA change, and amino acid change. No publications were found based on this search. This variant is not found in the Genome Aggregation Database in a region of good sequencing coverage, so the variant is presumed to be rare. Based on the predicted truncating nature of the variant, its rarity, and identification in a de novo state, the c.877delG (p.Val293Ter) variant is classified as pathogenic for osteopathia striata with cranial sclerosis.

NM_152424.4(AMER1):c.877del (p.Lys292_Val293insTer)

Gene: AMER1 (APC membrane recruitment protein 1; minus strand). Cytogenetic location: Xq11.2.
Variant type: Deletion.
Coding change: c.877del on transcript NM_152424.4 (MANE Select); coding-DNA position 877, one base deleted (G; older notation c.877delG).
Protein change: p.Lys292_Val293insTer.
Molecular consequence: nonsense.
Genome position (GRCh38, 1-based): chrX:64,192,410, C deleted on the plus strand (G on the coding strand, the reverse complement: AMER1 is on the minus strand); the first of 2 consecutive C bases (chrX:64,192,410-64,192,411); deleting either gives the same sequence. VCF-style (leftmost placement, unchanged base first): chrX-64192409-AC-A. GRCh37 (hg19) VCF-style: chrX-63412289-AC-A.
Identifiers: ClinVar variation 3062083 (VCV003062083.1), dbSNP rs2521224064, ClinGen allele CA2740092163.